The following is an entry in ClinVar:

NM_000278.5(PAX2):c.805T>G (p.Ser269Ala)

Gene: PAX2 (paired box 2; plus strand). Cytogenetic location: 10q24.31.
Variant type: single nucleotide variant.
Coding change: c.805T>G on transcript NM_000278.5 (MANE Select); coding-DNA position 805, T replaced by G.
Protein change: p.Ser269Ala; replaces serine 269 with alanine.
Molecular consequence: missense variant.
Genome position (GRCh38, 1-based): chr10:100,809,122, T>G. VCF-style: chr10-100809122-T-G. GRCh37 (hg19) VCF-style: chr10-102568879-T-G.
Other names: c.874T>G (NM_003990.3); c.898T>G, p.Ser300Ala (NM_001304569.2); c.874T>G, p.Ser292Ala (NM_003987.5, NM_003990.5); c.805T>G, p.Ser269Ala (NM_003988.5, NM_003989.5); short protein forms S292A, S300A, S269A.
Identifiers: ClinVar variation 4987110 (VCV004987110.2).

ClinVar aggregate classification (germline): Uncertain significance. Review status: criteria provided, multiple submitters, no conflicts (2 of 4 stars). 2 submissions from 2 submitters: Uncertain significance (2). Last evaluated 2026-03-31.

Conditions:
PAX2-Related Disorder. Also called: PAX2-related disorders. Identifiers: MedGen CN381309.

gnomAD v4.1: 5 of 1,613,360 alleles (0.00031%); highest among the groups gnomAD compares: East Asian, 0.011%; no homozygotes.

Submissions (2):

GeneDx
Classification: Uncertain significance. Last evaluated: 2026-03-31. Review status: criteria provided, single submitter. Criteria: GeneDx Variant Classification Process June 2021. Collection method: clinical testing. Allele origin: germline.
Comment: In silico analysis suggests that this missense variant does not alter protein structure/function; Has not been previously published as pathogenic or benign to our knowledge

PreventionGenetics, part of Exact Sciences
Classification: Uncertain significance for PAX2-related condition. Last evaluated: 2025-08-22. Review status: criteria provided, single submitter. Criteria: ACMG Guidelines, 2015. Collection method: clinical testing. Allele origin: germline.
Comment: The PAX2 c.874T>G variant is predicted to result in the amino acid substitution p.Ser292Ala. To our knowledge, this variant has not been reported in the literature. This variant is present in 0.016% of alleles in individuals of East Asian descent in gnomAD, which may be too common to be an unreported cause of disease. Although we suspect that this variant may be benign, at this time, the clinical significance of this variant is uncertain due to the absence of conclusive functional and genetic evidence.